The following is an entry in ClinVar:

NM_001079668.3(NKX2-1):c.238A>C (p.Thr80Pro)

Genes: NKX2-1 (NK2 homeobox 1; minus strand), SFTA3 (surfactant associated 3; minus strand). Cytogenetic location: 14q13.3.
Variant type: single nucleotide variant.
Coding change: c.238A>C on transcript NM_001079668.3 (MANE Select); coding-DNA position 238, A replaced by C.
Protein change: p.Thr80Pro; replaces threonine 80 with proline.
Molecular consequence: missense variant.
Genome position (GRCh38, 1-based): chr14:36,519,210, T>G on the plus strand (A>C on the coding strand, the complement: NKX2-1 is on the minus strand). VCF-style: chr14-36519210-T-G. GRCh37 (hg19) VCF-style: chr14-36988415-T-G.
Other names: c.148A>C, p.Thr50Pro (NM_003317.4); short protein forms T50P, T80P.
Identifiers: ClinVar variation 4807587 (VCV004807587.1).
Genomic context (GRCh38, chr14:36,519,210, plus strand): 5'-TGTGGTAGGCGGCGGTGACGGCGCCGTGGTGCCCCACGGCGTGCTGCTGCATGGCCGCTG[T>G]TGGCGGTGCCGCCTGGCCCTGCCTGTACGCCGCCAGCGGAGCCCCGAGGCCGCCGCCCTC-3'
Protein context (NP_001073136.1, residues 70-90): AYRQGQAAPP[Thr80Pro]AAMQQHAVGH

ClinVar aggregate classification (germline): Uncertain significance (1 of 4 stars; one submission).

gnomAD v4.1: 6 of 1,603,942 alleles (0.00037%); highest among the groups gnomAD compares: Non-Finnish European, 0.000085%; no homozygotes.

Submission:

Labcorp Genetics (formerly Invitae), Labcorp
Classification: Uncertain significance. Last evaluated: 2025-08-03. Review status: criteria provided, single submitter. Criteria: Invitae Variant Classification Sherloc (09022015). Collection method: clinical testing. Allele origin: germline.
Comment: This sequence change replaces threonine, which is neutral and polar, with proline, which is neutral and non-polar, at codon 80 of the NKX2-1 protein (p.Thr80Pro). This variant is present in population databases (no rsID available, gnomAD 0.02%). This variant has not been reported in the literature in individuals affected with NKX2-1-related conditions. An algorithm developed to predict the effect of missense changes on protein structure and function (PolyPhen-2) suggests that this variant is likely to be tolerated. In summary, the available evidence is currently insufficient to determine the role of this variant in disease. Therefore, it has been classified as a Variant of Uncertain Significance.